The following is an entry in ClinVar:

ClinVar aggregate classification (germline): Uncertain significance (1 of 4 stars; one submission).

Conditions:
LEPR-related disorder. Also called: LEPR-related condition; LEPR-related disorders.

Allele frequency attached by ClinVar (database versions not stated): gnomAD 0.00013; gnomAD exomes 0.00015; TOPMed 0.00015; ExAC 0.00060.
gnomAD v4.1: 50 of 349,842 alleles (0.014%); highest among the groups gnomAD compares: Admixed American, 0.037%; no homozygotes.

Submission:

PreventionGenetics, part of Exact Sciences
Classification: Uncertain significance for LEPR-related condition. Last evaluated: 2026-02-27. Review status: criteria provided, single submitter. Criteria: ACMG Guidelines, 2015. Collection method: clinical testing. Allele origin: germline.
Comment: The LEPR c.2705A>G variant is predicted to result in the amino acid substitution p.His902Arg. The p.His902Arg variant was previously reported, along with a second missense variant in the same gene, in a cohort of individuals with early-onset obesity (Mohammed et al. 2023. PubMed ID: 37329217). This variant was also observed in another cohort of individuals with obesity, and in vitro functional studies showed function similar to wild-type levels (Supplemental Data Set, Shah et al. 2023. PubMed ID: 36864747). This variant is reported in 0.16% of alleles in individuals of Ashkenazi Jewish descent in gnomAD. This frequency is higher than expected for a primary cause of disease; however, since the gnomAD Ashkenazi Jewish cohort is relatively small, this information should be interpreted with caution. Although we suspect this variant may be benign, at this time, the clinical significance is uncertain due to the absence of conclusive functional and genetic evidence.

NM_002303.6(LEPR):c.2674-5958A>G

Gene: LEPR (leptin receptor; plus strand). Cytogenetic location: 1p31.3.
Variant type: single nucleotide variant.
Coding change: c.2674-5958A>G on transcript NM_002303.6 (MANE Select); 5958 bases into the intron before coding-DNA position 2674, A replaced by G.
Molecular consequence: intron variant. On other transcripts: missense variant (2).
Genome position (GRCh38, 1-based): chr1:65,630,233, A>G. VCF-style: chr1-65630233-A-G. GRCh37 (hg19) VCF-style: chr1-66095916-A-G.
Other names: c.2674-2919A>G (NM_001198689.2, NM_001003679.3); c.2705A>G (NM_001198687.1); c.2705A>G, p.His902Arg (NM_001003680.3, NM_001198687.2); short protein forms H902R.
Identifiers: ClinVar variation 2637376 (VCV002637376.4), dbSNP rs781333158, ClinGen allele CA895109.
Genomic context (GRCh38, chr1:65,630,233, plus strand): 5'-TGTTTACTTATAATTTCCTTTTTAAACAGATGCTTGAAGGCAGCATGTTCGTTAAGAGTC[A>G]TCACCACTCCCTAATCTCAAGTACCCAGGGACACAAACACTGCGGAAGGCCACAGGGTCC-3'